The following is an entry in ClinVar:

ClinVar aggregate classification (germline): Pathogenic. Review status: criteria provided, multiple submitters, no conflicts (2 of 4 stars). 2 submissions from 2 submitters: Pathogenic (2). Last evaluated 2024-07-22.

Conditions:
Developmental and epileptic encephalopathy, 42 (DEE42A). Also called: Epileptic encephalopathy, early infantile, 42; DEVELOPMENTAL AND EPILEPTIC ENCEPHALOPATHY 42A; EPILEPTIC ENCEPHALOPATHY, EARLY INFANTILE, 42A. Identifiers: MedGen C4310716, MONDO:0014917, OMIM 617106.
Episodic ataxia type 2 (EA2). Also called: ATAXIA, EPISODIC, WITH NYSTAGMUS; ATAXIA, FAMILIAL PAROXYSMAL; CEREBELLAR ATAXIA, PAROXYSMAL, ACETAZOLAMIDE-RESPONSIVE; CEREBELLOPATHY, HEREDITARY PAROXYSMAL; EPISODIC ATAXIA, NYSTAGMUS-ASSOCIATED; ACETAZOLAMIDE-RESPONSIVE HEREDITARY PAROXYSMAL CEREBELLAR ATAXIA. Identifiers: Orphanet 97, MedGen C1720416, MONDO:0007163, OMIM 108500.

Submissions (2):

GeneDx
Classification: Pathogenic. Last evaluated: 2024-07-22. Review status: criteria provided, single submitter. Criteria: GeneDx Variant Classification Process June 2021. Collection method: clinical testing. Allele origin: germline. Affected: yes.
Comment: Frameshift variant predicted to result in protein truncation or nonsense mediated decay in a gene for which loss of function is a known mechanism of disease; Not observed at significant frequency in large population cohorts (gnomAD); Has not been previously published as pathogenic or benign to our knowledge

Labcorp Genetics (formerly Invitae), Labcorp
Classification: Pathogenic for Developmental and epileptic encephalopathy, 42; Episodic ataxia type 2. Last evaluated: 2024-04-17. Review status: criteria provided, single submitter. Criteria: Invitae Variant Classification Sherloc (09022015). Collection method: clinical testing. Allele origin: germline.
Comment: This sequence change creates a premature translational stop signal (p.Val176Trpfs*3) in the CACNA1A gene. It is expected to result in an absent or disrupted protein product. Loss-of-function variants in CACNA1A are known to be pathogenic (PMID: 10371528, 19486177, 25735478, 27250579). This variant is not present in population databases (gnomAD no frequency). This variant has not been reported in the literature in individuals affected with CACNA1A-related conditions. ClinVar contains an entry for this variant (Variation ID: 1334375). For these reasons, this variant has been classified as Pathogenic.

Literature cited by the submitters: PubMed 10371528 (cited by Labcorp Genetics (formerly Invitae), Labcorp); PubMed 19486177 (cited by Labcorp Genetics (formerly Invitae), Labcorp); PubMed 25735478 (cited by Labcorp Genetics (formerly Invitae), Labcorp); PubMed 27250579 (cited by Labcorp Genetics (formerly Invitae), Labcorp).

NM_001127222.2(CACNA1A):c.526del (p.Val176fs)

Gene: CACNA1A (calcium voltage-gated channel subunit alpha1 A; minus strand). Cytogenetic location: 19p13.13.
Variant type: Deletion.
Coding change: c.526del on transcript NM_001127222.2 (MANE Select); coding-DNA position 526, one base deleted (G; older notation c.526delG).
Protein change: p.Val176fs; shifts the reading frame from valine 176.
Molecular consequence: frameshift variant.
Genome position (GRCh38, 1-based): chr19:13,452,889, C deleted on the plus strand (G on the coding strand, the reverse complement: CACNA1A is on the minus strand); the first of 2 consecutive C bases (chr19:13,452,889-13,452,890); deleting either gives the same sequence. VCF-style (leftmost placement, unchanged base first): chr19-13452888-AC-A. GRCh37 (hg19) VCF-style: chr19-13563702-AC-A.
Other names: c.526del, p.Val176fs (NM_000068.4, NM_001127221.2, NM_001174080.2 and 1 more transcripts); short protein forms V176fs.
Identifiers: ClinVar variation 1334375 (VCV001334375.9), dbSNP rs2144936041, ClinGen allele CA2573054732.